The following is an entry in ClinVar:

ClinVar aggregate classification (germline): Uncertain significance (1 of 4 stars; one submission).

Conditions:
Aicardi-Goutieres syndrome 6 (AGS6). Identifiers: Orphanet 51, MedGen C3539013, MONDO:0014007, OMIM 615010.
Symmetrical dyschromatosis of extremities (DSH). Also called: RETICULATE ACROPIGMENTATION OF DOHI; SYMMETRIC DYSCHROMATOSIS OF THE EXTREMITIES; Dyschromatosis symmetrica hereditaria; DYSCHROMATOSIS SYMMETRICA HEREDITARIA 1. Identifiers: Orphanet 41, MedGen C0406775, MONDO:0007483, OMIM 127400.

Allele frequency attached by ClinVar (database versions not stated): gnomAD exomes below 0.00001.
gnomAD v4.1: 2 of 1,614,212 alleles (0.00012%); highest among the groups gnomAD compares: Non-Finnish European, 0.00017%; no homozygotes.

Submission:

Labcorp Genetics (formerly Invitae), Labcorp
Classification: Uncertain significance for Aicardi-Goutieres syndrome 6; Symmetrical dyschromatosis of extremities. Last evaluated: 2022-10-02. Review status: criteria provided, single submitter. Criteria: Invitae Variant Classification Sherloc (09022015). Collection method: clinical testing. Allele origin: germline.
Comment: This sequence change replaces cysteine, which is neutral and slightly polar, with tyrosine, which is neutral and polar, at codon 1129 of the ADAR protein (p.Cys1129Tyr). This variant is not present in population databases (gnomAD no frequency). This variant has not been reported in the literature in individuals affected with ADAR-related conditions. Advanced modeling of protein sequence and biophysical properties (such as structural, functional, and spatial information, amino acid conservation, physicochemical variation, residue mobility, and thermodynamic stability) performed at Invitae indicates that this missense variant is not expected to disrupt ADAR protein function. In summary, the available evidence is currently insufficient to determine the role of this variant in disease. Therefore, it has been classified as a Variant of Uncertain Significance.

NM_001111.5(ADAR):c.3386G>A (p.Cys1129Tyr)

Gene: ADAR (adenosine deaminase RNA specific; minus strand). Cytogenetic location: 1q21.3.
Variant type: single nucleotide variant.
Coding change: c.3386G>A on transcript NM_001111.5 (MANE Select); coding-DNA position 3386, G replaced by A.
Protein change: p.Cys1129Tyr; replaces cysteine 1129 with tyrosine.
Molecular consequence: missense variant.
Genome position (GRCh38, 1-based): chr1:154,585,274, C>T on the plus strand (G>A on the coding strand, the complement: ADAR is on the minus strand). VCF-style: chr1-154585274-C-T. GRCh37 (hg19) VCF-style: chr1-154557750-C-T.
Other names: c.2501G>A, p.Cys834Tyr (NM_001365046.1, NM_001365047.1, NM_001365048.1 and 2 more transcripts); c.2423G>A, p.Cys808Tyr (NM_001365049.1); c.3308G>A, p.Cys1103Tyr (NM_015840.4); c.3251G>A, p.Cys1084Tyr (NM_015841.4); c.3413G>A, p.Cys1138Tyr (NM_001365045.1); short protein forms C1084Y, C1103Y, C1129Y, C1138Y, C808Y, C834Y.
Identifiers: ClinVar variation 1720298 (VCV001720298.5), dbSNP rs2526449569, ClinGen allele CA342635074.